The following is an entry in ClinVar:

NM_020297.4(ABCC9):c.4062G>A (p.Ser1354=)

Genes: ABCC9 (ATP binding cassette subfamily C member 9; minus strand), KCNJ8-AS1 (KCNJ8 antisense RNA 1; plus strand). Cytogenetic location: 12p12.1.
Variant type: single nucleotide variant.
Coding change: c.4062G>A on transcript NM_020297.4 (MANE Select); coding-DNA position 4062, G replaced by A.
Protein change: p.Ser1354=; no amino-acid change (serine 1354 retained).
Molecular consequence: synonymous variant.
Genome position (GRCh38, 1-based): chr12:21,814,684, C>T on the plus strand (G>A on the coding strand, the complement: ABCC9 is on the minus strand). VCF-style: chr12-21814684-C-T. GRCh37 (hg19) VCF-style: chr12-21967618-C-T.
Other names: p.Ser1354=; c.4062G>A, p.Ser1354= (NM_001377273.1, NM_005691.4); c.3195G>A, p.Ser1065= (NM_001377274.1).
Identifiers: ClinVar variation 45411 (VCV000045411.47), dbSNP rs145005748, ClinGen allele CA136279.

ClinVar aggregate classification (germline): Benign/Likely benign. Review status: criteria provided, multiple submitters, no conflicts (2 of 4 stars). 14 submissions from 14 submitters: Benign (1); Likely benign (9). 4 of the submissions do not count toward it. Last evaluated 2026-03-23.

Conditions:
Cardiovascular phenotype. Identifiers: MedGen CN230736.
Cardiomyopathy (CMYO). Also called: Cardiomyopathies. Identifiers: Orphanet 167848, MedGen C0878544, MONDO:0004994, HP:0001638. Inheritance: Various modes of inheritance.
Dilated cardiomyopathy 1O (CMD1O). Also called: CARDIOMYOPATHY, DILATED, WITH VENTRICULAR TACHYCARDIA. Identifiers: Orphanet 154, MedGen C1837839, MONDO:0012062, OMIM 608569.

Allele frequency attached by ClinVar (database versions not stated): ExAC 0.00009; gnomAD exomes 0.00009; ESP Exome Variant Server 0.00015; gnomAD 0.00016 and 0.00017; TOPMed 0.00016.
gnomAD v4.1: 190 of 1,613,818 alleles (0.012%); highest among the groups gnomAD compares: Middle Eastern, 0.38%; 1 homozygote.

Submissions (14):

Women's Health and Genetics/Laboratory Corporation of America, LabCorp
Classification: Benign. Last evaluated: 2026-03-23. Review status: criteria provided, single submitter. Criteria: LabCorp Variant Classification Summary - May 2015. Collection method: clinical testing. Allele origin: germline.

Labcorp Genetics (formerly Invitae), Labcorp
Classification: Likely benign for Dilated cardiomyopathy 1O. Last evaluated: 2026-01-25. Review status: criteria provided, single submitter. Criteria: Invitae Variant Classification Sherloc (09022015). Collection method: clinical testing. Allele origin: germline.

Mayo Clinic Laboratories, Mayo Clinic
Classification: Likely benign. Last evaluated: 2025-10-10. Review status: criteria provided, single submitter. Criteria: ACMG Guidelines, 2015. Collection method: clinical testing. Allele origin: germline. Observed: 1 variant allele.
Comment: BP4, BP7

CeGaT Center for Human Genetics Tuebingen
Classification: Likely benign. Last evaluated: 2024-12-01. Review status: criteria provided, single submitter. Criteria: CeGaT Center For Human Genetics Tuebingen Variant Classification Criteria Version 2. Collection method: clinical testing. Allele origin: germline. Affected: yes. Observed: 2 variant alleles.
Comment: ABCC9: BP4, BP7

Blueprint Genetics
Classification: Likely benign. Last evaluated: 2024-10-30. Review status: criteria provided, single submitter. Criteria: ACMG Guidelines, 2015. Collection method: clinical testing. Allele origin: germline.

Ambry Genetics
Classification: Likely benign for Cardiovascular phenotype. Last evaluated: 2020-09-01. Review status: criteria provided, single submitter. Criteria: Ambry Variant Classification Scheme 2023. Collection method: clinical testing. Allele origin: germline.

CHEO Genetics Diagnostic Laboratory, Children's Hospital of Eastern Ontario
Classification: Likely benign for Cardiomyopathy. Last evaluated: 2019-08-26. Review status: criteria provided, single submitter. Criteria: ACMG Guidelines, 2015. Collection method: clinical testing. Allele origin: germline.

GeneDx
Classification: Likely benign. Last evaluated: 2019-07-12. Review status: criteria provided, single submitter. Criteria: GeneDx Variant Classification (06012015). Collection method: clinical testing. Allele origin: germline. Affected: yes.

Laboratory for Molecular Medicine, Mass General Brigham Personalized Medicine
Classification: Likely benign. Last evaluated: 2012-11-30. Review status: criteria provided, single submitter. Criteria: LMM Criteria. Collection method: clinical testing. Allele origin: germline. Observed: 5 variant alleles.
Comment: Ser1354Ser in exon 33 of ABCC9: This variant is not expected to have clinical s ignificance because it does not alter an amino acid residue and is not located w ithin the splice consensus sequence. It has been identified in 1/8600 European A merican chromosomes and 1/4406 African American chromosomes from a broad populat ion by the NHLBI Exome Sequencing Project (db SNP rs145005748). Ser1354Ser in exon 33 of ABCC9 (rs145005748; allele frequency = 1/8600) **

Breakthrough Genomics
Classification: Likely benign. Review status: criteria provided, single submitter. Criteria: ACMG Guidelines, 2015. Collection method: not provided. Allele origin: germline. Inheritance: Autosomal recessive inheritance. Affected: yes.

Clinical Genetics DNA and cytogenetics Diagnostics Lab, Erasmus MC, Erasmus Medical Center
Classification: Likely benign. Review status: no assertion criteria provided. Collection method: clinical testing. Allele origin: germline. Affected: yes. Study: VKGL Data-share Consensus. Not counted in ClinVar's aggregate classification.

Clinical Genetics, Academic Medical Center
Classification: Benign. Review status: no assertion criteria provided. Collection method: clinical testing. Allele origin: germline. Affected: yes. Study: VKGL Data-share Consensus. Not counted in ClinVar's aggregate classification.

Diagnostic Laboratory, Department of Genetics, University Medical Center Groningen
Classification: Likely benign. Review status: no assertion criteria provided. Collection method: clinical testing. Allele origin: germline. Affected: yes. Study: VKGL Data-share Consensus. Not counted in ClinVar's aggregate classification.

Genome Diagnostics Laboratory, University Medical Center Utrecht
Classification: Likely benign. Review status: no assertion criteria provided. Collection method: clinical testing. Allele origin: germline. Affected: yes. Study: VKGL Data-share Consensus. Not counted in ClinVar's aggregate classification.